The following is an entry in ClinVar:

NM_006904.7(PRKDC):c.325-19dup

Gene: PRKDC (protein kinase, DNA-activated, catalytic subunit; minus strand). Cytogenetic location: 8q11.21.
Variant type: Duplication.
Coding change: c.325-19dup on transcript NM_006904.7 (MANE Select); 19 bases into the intron before coding-DNA position 325, one base duplicated (T; older notation c.325-19dupT).
Molecular consequence: intron variant.
Genome position (GRCh38, 1-based): chr8:47,955,958, A duplicated on the plus strand (T on the coding strand, the reverse complement: PRKDC is on the minus strand); the first of 10 consecutive A bases (chr8:47,955,958-47,955,967); duplicating any one gives the same sequence. VCF-style (leftmost placement, unchanged base first): chr8-47955957-T-TA. GRCh37 (hg19) VCF-style: chr8-48868517-T-TA.
Other names: c.325-19dup (NM_001081640.2).
Identifiers: ClinVar variation 1167741 (VCV001167741.11), dbSNP rs567466258, ClinGen allele CA4742046.
Genomic context (GRCh38, chr8:47,955,957, plus strand): 5'-GAATTTTACATTTAGCAGCTCTATCTTTTGTATAAACACTGGTACAAGTGTTCTAGGTTT[T>TA]AAAAAAAAAATAACCAAAATCATCAATAAGATATAAAAACTAAGACTCAGCAATACCTGA-3'

ClinVar aggregate classification (germline): Benign/Likely benign. Review status: criteria provided, multiple submitters, no conflicts (2 of 4 stars). 3 submissions from 3 submitters: Benign (2); Likely benign (1). Last evaluated 2026-02-02.

Conditions:
Severe combined immunodeficiency due to DNA-PKcs deficiency. Also called: Immunodeficiency 26 with or without neurologic abnormalities; IMMUNODEFICIENCY 26 WITH NEUROLOGIC ABNORMALITIES. Identifiers: Orphanet 317425, MedGen C4014833, MONDO:0014423, OMIM 615966.

Submissions (3):

Labcorp Genetics (formerly Invitae), Labcorp
Classification: Benign for Severe combined immunodeficiency due to DNA-PKcs deficiency. Last evaluated: 2026-02-02. Review status: criteria provided, single submitter. Criteria: Invitae Variant Classification Sherloc (09022015). Collection method: clinical testing. Allele origin: germline.

Blueprint Genetics
Classification: Likely benign. Last evaluated: 2024-11-27. Review status: criteria provided, single submitter. Criteria: ACMG Guidelines, 2015. Collection method: clinical testing. Allele origin: germline.

Women's Health and Genetics/Laboratory Corporation of America, LabCorp
Classification: Benign. Last evaluated: 2022-03-08. Review status: criteria provided, single submitter. Criteria: LabCorp Variant Classification Summary - May 2015. Collection method: clinical testing. Allele origin: germline.
Comment: Variant summary: PRKDC c.325-10dupT alters a non-conserved nucleotide located close to a canonical splice site and therefore could affect mRNA splicing, leading to a significantly altered protein sequence. 4/4 computational tools predict no significant impact on normal splicing. However, these predictions have yet to be confirmed by functional studies. The variant allele was found at a frequency of 0.0027 in 141356 control chromosomes (gnomAD). The observed variant frequency is approximately 7 fold of the estimated maximal expected allele frequency for a pathogenic variant in PRKDC causing Severe Combined Immunodeficiency phenotype (0.00035), strongly suggesting that the variant is benign. To our knowledge, no occurrence of c.325-10dupT in individuals affected with Severe Combined Immunodeficiency and no experimental evidence demonstrating its impact on protein function have been reported. No clinical diagnostic laboratories have submitted clinical-significance assessments for this variant to ClinVar after 2014. Based on the evidence outlined above, the variant was classified as benign.